The following is an entry in ClinVar:

ClinVar aggregate classification (germline): Uncertain significance (1 of 4 stars; one submission).

Allele frequency attached by ClinVar (database versions not stated): TOPMed below 0.00001; ExAC 0.00002; gnomAD exomes 0.00002.
gnomAD v4.1: 17 of 1,614,162 alleles (0.0011%); highest among the groups gnomAD compares: South Asian, 0.0099%; no homozygotes.

Submission:

Labcorp Genetics (formerly Invitae), Labcorp
Classification: Uncertain significance. Last evaluated: 2022-08-23. Review status: criteria provided, single submitter. Criteria: Invitae Variant Classification Sherloc (09022015). Collection method: clinical testing. Allele origin: germline.
Comment: This sequence change replaces arginine, which is basic and polar, with glutamine, which is neutral and polar, at codon 2031 of the SZT2 protein (p.Arg2031Gln). This variant is present in population databases (rs746620838, gnomAD 0.02%). This variant has not been reported in the literature in individuals affected with SZT2-related conditions. ClinVar contains an entry for this variant (Variation ID: 937841). Algorithms developed to predict the effect of missense changes on protein structure and function are either unavailable or do not agree on the potential impact of this missense change (SIFT: "Tolerated"; PolyPhen-2: "Probably Damaging"; Align-GVGD: "Class C0"). In summary, the available evidence is currently insufficient to determine the role of this variant in disease. Therefore, it has been classified as a Variant of Uncertain Significance.

NM_001365999.1(SZT2):c.6263G>A (p.Arg2088Gln)

Gene: SZT2 (SZT2 subunit of KICSTOR complex; plus strand). Cytogenetic location: 1p34.2.
Variant type: single nucleotide variant.
Coding change: c.6263G>A on transcript NM_001365999.1 (MANE Select); coding-DNA position 6263, G replaced by A.
Protein change: p.Arg2088Gln; replaces arginine 2088 with glutamine.
Molecular consequence: missense variant.
Genome position (GRCh38, 1-based): chr1:43,437,481, G>A. VCF-style: chr1-43437481-G-A. GRCh37 (hg19) VCF-style: chr1-43903152-G-A.
Other names: c.6092G>A, p.Arg2031Gln (NM_015284.4); short protein forms R2031Q, R2088Q.
Identifiers: ClinVar variation 937841 (VCV000937841.7), dbSNP rs746620838, ClinGen allele CA809824.
Genomic context (GRCh38, chr1:43,437,481, plus strand): 5'-GCTCTGTGCTCAATGCCTTCTCTGTGGTGAACCGGAAAAACATGTTTGTTTACCAGGAGC[G>A]AGCAACAAAGGCTGTGTACTATCTTCGGTATGTGGCCCTTGGAAGGTGGGTAGGGCATGA-3'
Protein context (NP_001352928.1, residues 2078-2098): NRKNMFVYQE[Arg2088Gln]ATKAVYYLRL